The following is an entry in ClinVar:

ClinVar aggregate classification (germline): Uncertain significance. Review status: criteria provided, multiple submitters, no conflicts (2 of 4 stars). 2 submissions from 2 submitters: Uncertain significance (2). Last evaluated 2021-10-26.

Conditions:
Weill-Marchesani syndrome. Also called: WM Syndrome; Mesodermal dysmorphodystrophy congenital. Identifiers: Orphanet 3449, MedGen C0265313, MONDO:0018096.

Allele frequency attached by ClinVar (database versions not stated): TOPMed 0.00001.
gnomAD v4.1: 23 of 1,614,024 alleles (0.0014%); highest among the groups gnomAD compares: Non-Finnish European, 0.0019%; no homozygotes.

Submissions (2):

Labcorp Genetics (formerly Invitae), Labcorp
Classification: Uncertain significance. Last evaluated: 2021-10-26. Review status: criteria provided, single submitter. Criteria: Invitae Variant Classification Sherloc (09022015). Collection method: clinical testing. Allele origin: germline.
Comment: This sequence change replaces arginine with leucine at codon 186 of the ADAMTS10 protein (p.Arg186Leu). The arginine residue is moderately conserved and there is a moderate physicochemical difference between arginine and leucine. This variant is not present in population databases (ExAC no frequency). This variant has not been reported in the literature in individuals affected with ADAMTS10-related conditions. ClinVar contains an entry for this variant (Variation ID: 893931). Algorithms developed to predict the effect of missense changes on protein structure and function are either unavailable or do not agree on the potential impact of this missense change (SIFT: "Deleterious"; PolyPhen-2: "Benign"; Align-GVGD: "Class C15"). In summary, the available evidence is currently insufficient to determine the role of this variant in disease. Therefore, it has been classified as a Variant of Uncertain Significance.

Illumina Laboratory Services, Illumina
Classification: Uncertain significance for Weill-Marchesani syndrome. Last evaluated: 2018-01-12. Review status: criteria provided, single submitter. Criteria: ICSL Variant Classification Criteria 13 December 2019. Collection method: clinical testing. Allele origin: germline.

NM_030957.4(ADAMTS10):c.557G>T (p.Arg186Leu)

Gene: ADAMTS10 (ADAM metallopeptidase with thrombospondin type 1 motif 10; minus strand). Cytogenetic location: 19p13.2.
Variant type: single nucleotide variant.
Coding change: c.557G>T on transcript NM_030957.4 (MANE Select); coding-DNA position 557, G replaced by T.
Protein change: p.Arg186Leu; replaces arginine 186 with leucine.
Molecular consequence: missense variant.
Genome position (GRCh38, 1-based): chr19:8,603,763, C>A on the plus strand (G>T on the coding strand, the complement: ADAMTS10 is on the minus strand). VCF-style: chr19-8603763-C-A. GRCh37 (hg19) VCF-style: chr19-8668647-C-A.
Other names: short protein forms R186L.
Identifiers: ClinVar variation 893931 (VCV000893931.6), dbSNP rs781891774, ClinGen allele CA403756980.